The following is an entry in ClinVar:

ClinVar aggregate classification (germline): Uncertain significance (1 of 4 stars; one submission).

Submission:

Labcorp Genetics (formerly Invitae), Labcorp
Classification: Uncertain significance. Last evaluated: 2023-06-16. Review status: criteria provided, single submitter. Criteria: Invitae Variant Classification Sherloc (09022015). Collection method: clinical testing. Allele origin: germline.
Comment: In summary, the available evidence is currently insufficient to determine the role of this variant in disease. Therefore, it has been classified as a Variant of Uncertain Significance. Advanced modeling of protein sequence and biophysical properties (such as structural, functional, and spatial information, amino acid conservation, physicochemical variation, residue mobility, and thermodynamic stability) performed at Invitae indicates that this missense variant is not expected to disrupt KMT2A protein function. This variant has not been reported in the literature in individuals affected with KMT2A-related conditions. This variant is not present in population databases (gnomAD no frequency). This sequence change replaces glutamic acid, which is acidic and polar, with glycine, which is neutral and non-polar, at codon 2708 of the KMT2A protein (p.Glu2708Gly).

NM_001197104.2(KMT2A):c.8123A>G (p.Glu2708Gly)

Gene: KMT2A (lysine methyltransferase 2A; plus strand). Cytogenetic location: 11q23.3.
Variant type: single nucleotide variant.
Coding change: c.8123A>G on transcript NM_001197104.2 (MANE Select); coding-DNA position 8123, A replaced by G.
Protein change: p.Glu2708Gly; replaces glutamic acid 2708 with glycine.
Molecular consequence: missense variant.
Genome position (GRCh38, 1-based): chr11:118,504,015, A>G. VCF-style: chr11-118504015-A-G. GRCh37 (hg19) VCF-style: chr11-118374730-A-G.
Other names: c.8213A>G, p.Glu2738Gly (NM_001412597.1); c.8114A>G, p.Glu2705Gly (NM_005933.4); short protein forms E2705G, E2708G, E2738G.
Identifiers: ClinVar variation 2860938 (VCV002860938.3), dbSNP rs2497006508, ClinGen allele CA382808770.